The following is an entry in ClinVar:

ClinVar aggregate classification (germline): Uncertain significance (1 of 4 stars; one submission).

Conditions:
Inborn genetic diseases. Identifiers: MedGen C0950123, MeSH D030342.

Submission:

Ambry Genetics
Classification: Uncertain significance for Inborn genetic diseases. Last evaluated: 2025-03-14. Review status: criteria provided, single submitter. Criteria: Ambry Variant Classification Scheme 2023. Collection method: clinical testing. Allele origin: germline.
Comment: The p.I134V variant (also known as c.400A>G), located in coding exon 3 of the USB1 gene, results from an A to G substitution at nucleotide position 400. The isoleucine at codon 134 is replaced by valine, an amino acid with highly similar properties. This amino acid position is conserved. In addition, the in silico prediction for this alteration is inconclusive. Based on the available evidence, the clinical significance of this variant remains unclear.

NM_024598.4(USB1):c.400A>G (p.Ile134Val)

Gene: USB1 (U6 snRNA biogenesis phosphodiesterase 1; plus strand). Cytogenetic location: 16q21.
Variant type: single nucleotide variant.
Coding change: c.400A>G on transcript NM_024598.4 (MANE Select); coding-DNA position 400, A replaced by G.
Protein change: p.Ile134Val; replaces isoleucine 134 with valine.
Molecular consequence: missense variant.
Genome position (GRCh38, 1-based): chr16:58,010,063, A>G. VCF-style: chr16-58010063-A-G. GRCh37 (hg19) VCF-style: chr16-58043967-A-G.
Other names: c.400A>G, p.Ile134Val (NM_001195302.2, NM_001204911.2, NM_001330569.2); c.247A>G, p.Ile83Val (NM_001330568.2); short protein forms I134V, I83V.
Identifiers: ClinVar variation 3813921 (VCV003813921.1).
Genomic context (GRCh38, chr16:58,010,063, plus strand): 5'-GTAAGGATGAAGGTGTTCCACCTCAGCCTGTCCCAGAGTGTGGTTCTGCGCCACCACTGG[A>G]TCCTCCCCTTCGTGCAGGCTCTGAAAGCCCGTATGACCTCCTTCCACAGGTGAGTGCTTC-3'
Protein context (NP_078874.2, residues 124-144): SQSVVLRHHW[Ile134Val]LPFVQALKAR